The following is an entry in ClinVar:

ClinVar aggregate classification (germline): Uncertain significance (1 of 4 stars; one submission).

gnomAD v4.1: 2 of 1,614,150 alleles (0.00012%); highest among the groups gnomAD compares: Non-Finnish European, 0.00017%; no homozygotes.

Submission:

GeneDx
Classification: Uncertain significance. Last evaluated: 2024-09-23. Review status: criteria provided, single submitter. Criteria: GeneDx Variant Classification Process June 2021. Collection method: clinical testing. Allele origin: germline. Affected: yes.
Comment: Not observed at significant frequency in large population cohorts (gnomAD); In silico analysis indicates that this missense variant does not alter protein structure/function; Has not been previously published as pathogenic or benign to our knowledge

NM_177402.5(SYT2):c.376G>A (p.Glu126Lys)

Gene: SYT2 (synaptotagmin 2; minus strand). Cytogenetic location: 1q32.1.
Variant type: single nucleotide variant.
Coding change: c.376G>A on transcript NM_177402.5 (MANE Select); coding-DNA position 376, G replaced by A.
Protein change: p.Glu126Lys; replaces glutamic acid 126 with lysine.
Molecular consequence: missense variant.
Genome position (GRCh38, 1-based): chr1:202,603,088, C>T on the plus strand (G>A on the coding strand, the complement: SYT2 is on the minus strand). VCF-style: chr1-202603088-C-T. GRCh37 (hg19) VCF-style: chr1-202572216-C-T.
Other names: c.376G>A, p.Glu126Lys (NM_001136504.1); short protein forms E126K.
Identifiers: ClinVar variation 3773971 (VCV003773971.1).